The following is an entry in ClinVar:

ClinVar aggregate classification (germline): Likely benign (1 of 4 stars; one submission).

Allele frequency attached by ClinVar (database versions not stated): gnomAD exomes below 0.00001; gnomAD 0.00001; TOPMed 0.00001.
gnomAD v4.1: 5 of 398,334 alleles (0.0013%); highest among the groups gnomAD compares: Middle Eastern, 0.12%; no homozygotes.

Submission:

CeGaT Center for Human Genetics Tuebingen
Classification: Likely benign. Last evaluated: 2023-09-01. Review status: criteria provided, single submitter. Criteria: CeGaT Center For Human Genetics Tuebingen Variant Classification Criteria Version 2. Collection method: clinical testing. Allele origin: germline. Affected: yes. Observed: 1 variant allele.
Comment: CIC: BP4, BP7

NM_001386298.1(CIC):c.1617G>A (p.Gly539=)

Gene: CIC (capicua transcriptional repressor; plus strand). Cytogenetic location: 19q13.2.
Variant type: single nucleotide variant.
Coding change: c.1617G>A on transcript NM_001386298.1 (MANE Select); coding-DNA position 1617, G replaced by A.
Protein change: p.Gly539=; no amino-acid change (glycine 539 retained).
Molecular consequence: synonymous variant.
Genome position (GRCh38, 1-based): chr19:42,273,400, G>A. VCF-style: chr19-42273400-G-A. GRCh37 (hg19) VCF-style: chr19-42777552-G-A.
Other names: c.1617G>A, p.Gly539= (NM_001304815.2, NM_001379480.1, NM_001379482.1 and 1 more transcripts).
Identifiers: ClinVar variation 2649956 (VCV002649956.24), dbSNP rs1190369184, ClinGen allele CA507702096.
Genomic context (GRCh38, chr19:42,273,400, plus strand): 5'-CTACTGCTCACGCCACCTGTCCATGCGAACCAAAGAGATGGAAGGCCTGGCAGACAGTGG[G>A]CCTGGCGGGGCGGGCCGGCCCGCGGCCGTGGCAGCCCGTGAGGGCAGCACGGAGTTTGAC-3'
Protein context (NP_001373227.1, residues 529-549): TKEMEGLADS[Gly539=]PGGAGRPAAV